The following is an entry in ClinVar:

NM_000548.5(TSC2):c.2712C>T (p.Phe904=)

Gene: TSC2 (TSC complex subunit 2; plus strand). Cytogenetic location: 16p13.3.
Variant type: single nucleotide variant.
Coding change: c.2712C>T on transcript NM_000548.5 (MANE Select); coding-DNA position 2712, C replaced by T.
Protein change: p.Phe904=; no amino-acid change (phenylalanine 904 retained).
Molecular consequence: synonymous variant.
Genome position (GRCh38, 1-based): chr16:2,076,140, C>T. VCF-style: chr16-2076140-C-T. GRCh37 (hg19) VCF-style: chr16-2126141-C-T.
Other names: c.2712C>T, p.Phe904= (NM_001363528.2, NM_001370404.1, NM_001370405.1 and 3 more transcripts); c.2712C>T (NM_000548.3); c.2601C>T, p.Phe867= (NM_001318827.2); c.2565C>T, p.Phe855= (NM_001318829.2); c.2112C>T, p.Phe704= (NM_001318831.2); c.2745C>T, p.Phe915= (NM_001318832.2).
Identifiers: ClinVar variation 1638638 (VCV001638638.11), dbSNP rs137920189, ClinGen allele CA041025.
Genomic context (GRCh38, chr16:2,076,140, plus strand): 5'-CATCGTGTGTCTGGCCCATCACGTCATAGCCATGTGGTTCATCAGGTGCCGCCTGCCCTT[C>T]CGGAAGGATTTTGTCCCTTTCATCACTAAGGTGGGCTCAGGGCCGGTGAAGGCTGTGTCT-3'
Protein context (NP_000539.2, residues 894-914): AMWFIRCRLP[Phe904=]RKDFVPFITK

ClinVar aggregate classification (germline): Benign/Likely benign. Review status: criteria provided, multiple submitters, no conflicts (2 of 4 stars). 4 submissions from 4 submitters: Benign (1); Likely benign (3). Last evaluated 2025-12-06.

Conditions:
Hereditary cancer-predisposing syndrome. Also called: Tumor predisposition; Hereditary neoplastic syndrome; Neoplastic Syndromes, Hereditary; Hereditary Cancer Syndrome. Identifiers: Orphanet 140162, MedGen C0027672, MeSH D009386, MONDO:0015356.
Tuberous sclerosis syndrome (TSC). Also called: Tuberous Sclerosis Complex; Tuberous sclerosis. Identifiers: Orphanet 805, MedGen C0041341, MONDO:0001734.
Tuberous sclerosis 2 (TSC2). Identifiers: Orphanet 805, MedGen C1860707, MONDO:0013199, OMIM 613254.

gnomAD v4.1: 4 of 1,613,750 alleles (0.00025%); highest among the groups gnomAD compares: African/African-American, 0.0027%; no homozygotes.

Submissions (4):

Labcorp Genetics (formerly Invitae), Labcorp
Classification: Likely benign for Tuberous sclerosis 2. Last evaluated: 2025-12-06. Review status: criteria provided, single submitter. Criteria: Invitae Variant Classification Sherloc (09022015). Collection method: clinical testing. Allele origin: germline.

Myriad Genetics, Inc.
Classification: Benign for Tuberous sclerosis 2. Last evaluated: 2025-05-21. Review status: criteria provided, single submitter. Criteria: Myriad Autosomal Dominant, Autosomal Recessive and X-Linked Classification Criteria (2023). Collection method: clinical testing. Allele origin: unknown.
Comment: This variant is considered benign. This variant is a silent/synonymous amino acid change and it is not expected to impact splicing.

All of Us Research Program, National Institutes of Health
Classification: Likely benign for Tuberous sclerosis syndrome. Last evaluated: 2024-08-23. Review status: criteria provided, single submitter. Criteria: ACMG Guidelines, 2015. Collection method: clinical testing. Allele origin: germline. Inheritance: Autosomal dominant inheritance. Observed: 1 variant allele, 1 heterozygote.
Comment: This study involves interpretation of variants in research participants for the purpose of population health screening. Participant phenotype was not available at the time of variant classification. Additional details can be found in publication PMID: 35346344, PMCID: PMC8962531

Ambry Genetics
Classification: Likely benign for Hereditary cancer-predisposing syndrome. Last evaluated: 2023-04-06. Review status: criteria provided, single submitter. Criteria: Ambry Variant Classification Scheme 2023. Collection method: clinical testing. Allele origin: germline.